The following is an entry in ClinVar:

NM_020717.5(SHROOM4):c.4114C>A (p.Leu1372Met)

Gene: SHROOM4 (shroom family member 4; minus strand). Cytogenetic location: Xp11.22.
Variant type: single nucleotide variant.
Coding change: c.4114C>A on transcript NM_020717.5 (MANE Select); coding-DNA position 4114, C replaced by A.
Protein change: p.Leu1372Met; replaces leucine 1372 with methionine.
Molecular consequence: missense variant. On other transcripts: non-coding transcript variant (4).
Genome position (GRCh38, 1-based): chrX:50,598,364, G>T on the plus strand (C>A on the coding strand, the complement: SHROOM4 is on the minus strand). VCF-style: chrX-50598364-G-T. GRCh37 (hg19) VCF-style: chrX-50341364-G-T.
Other names: short protein forms L1372M.
Identifiers: ClinVar variation 452789 (VCV000452789.4), dbSNP rs782257793, ClinGen allele CA10415873.
Genomic context (GRCh38, chrX:50,598,364, plus strand): 5'-CATTCTCCACCCGGGCCAGTCGTCCAGAGAGTGACAGCAACAGGTTGACCACTTTGTCCA[G>T]GTCCCCAACAAACAAGTGGTACTTTTCAAATTCATTGGATTTGCAGACGGCTTTTAAGTT-3'
Protein context (NP_065768.2, residues 1362-1382): FEKYHLFVGD[Leu1372Met]DKVVNLLLSL

ClinVar aggregate classification (germline): Uncertain significance. Review status: criteria provided, multiple submitters, no conflicts (2 of 4 stars). 2 submissions from 2 submitters: Uncertain significance (2). Last evaluated 2026-09-10.

Allele frequency attached by ClinVar (database versions not stated): TOPMed 0.00001.
gnomAD v4.1: 2 of 1,211,055 alleles (0.00017%); highest among the groups gnomAD compares: African/African-American, 0.0017%; no homozygotes.

Submissions (2):

Ambry Genetics
Classification: Uncertain significance. Last evaluated: 2026-09-10. Review status: criteria provided, single submitter. Criteria: Ambry Variant Classification Scheme 2023. Collection method: clinical testing. Allele origin: germline.
Comment: The c.4114C>A (p.L1372M) alteration is located in exon 8 (coding exon 8) of the SHROOM4 gene. This alteration results from a C to A substitution at nucleotide position 4114, causing the leucine (L) at amino acid position 1372 to be replaced by a methionine (M). Based on data from gnomAD, the A allele has an overall frequency of <0.001% (1/182302) total alleles studied. The highest observed frequency was 0.001% (1/81332) of European (non-Finnish) alleles. Based on insufficient or conflicting evidence, the clinical significance of this alteration remains unclear.

GeneDx
Classification: Uncertain significance. Last evaluated: 2017-10-16. Review status: criteria provided, single submitter. Criteria: GeneDx Variant Classification (06012015). Collection method: clinical testing. Allele origin: germline. Affected: yes.
Comment: The L1372M variant in the SHROOM4 gene has not been reported previously as a pathogenic variant, nor as a benign variant, to our knowledge. This variant is observed in 2/90004 (0.0022%) alleles from individuals of non-Finnish European background in the ExAC dataset (Lek et al., 2016). The L1372M variant is a conservative amino acid substitution, which is not likely to impact secondary protein structure as these residues share similar properties. This substitution occurs at a position that is conserved across species. In silico analysis is inconsistent in its predictions as to whether or not the variant is damaging to the protein structure/function. We interpret L1372M as a variant of uncertain significance.